The following is an entry in ClinVar:

NM_001401501.2(MUC16):c.37434A>G (p.Thr12478=)

Gene: MUC16 (mucin 16, cell surface associated; minus strand). Cytogenetic location: 19p13.2.
Variant type: single nucleotide variant.
Coding change: c.37434A>G on transcript NM_001401501.2 (MANE Select); coding-DNA position 37434, A replaced by G.
Protein change: p.Thr12478=; no amino-acid change (threonine 12478 retained).
Molecular consequence: synonymous variant.
Genome position (GRCh38, 1-based): chr19:8,910,399, T>C on the plus strand (A>G on the coding strand, the complement: MUC16 is on the minus strand). VCF-style: chr19-8910399-T-C. GRCh37 (hg19) VCF-style: chr19-9021075-T-C.
Other names: c.37860A>G, p.Thr12620= (NM_001414686.1); c.37314A>G, p.Thr12438= (NM_001414687.1); c.37248A>G, p.Thr12416= (NM_024690.2).
Identifiers: ClinVar variation 3037623 (VCV003037623.2), dbSNP rs76949269, ClinGen allele CA9165322.

ClinVar aggregate classification (germline): Likely benign (0 of 4 stars; one submission).

Conditions:
MUC16-related disorder. Also called: MUC16-related condition.

Allele frequency attached by ClinVar (database versions not stated): ExAC 0.00103; 1000 Genomes Project 30x 0.01640.

Submission:

PreventionGenetics, part of Exact Sciences
Classification: Likely benign for MUC16-related condition. Last evaluated: 2019-10-21. Review status: no assertion criteria provided. Collection method: clinical testing. Allele origin: germline.
Comment: This variant is classified as likely benign based on ACMG/AMP sequence variant interpretation guidelines (Richards et al. 2015 PMID: 25741868, with internal and published modifications).